The following is an entry in ClinVar:

NM_031857.2(PCDHA9):c.114A>G (p.Glu38=)

Genes: PCDHA1 (protocadherin alpha 1; plus strand), PCDHA2 (protocadherin alpha 2; plus strand), PCDHA3 (protocadherin alpha 3; plus strand), PCDHA4 (protocadherin alpha 4; plus strand), PCDHA5 (protocadherin alpha 5; plus strand) and 5 more. Cytogenetic location: 5q31.3.
Variant type: single nucleotide variant.
Coding change: c.114A>G on transcript NM_031857.2 (MANE Select); coding-DNA position 114, A replaced by G.
Protein change: p.Glu38=; no amino-acid change (glutamic acid 38 retained).
Molecular consequence: synonymous variant. On other transcripts: intron variant (10).
Genome position (GRCh38, 1-based): chr5:140,848,609, A>G. VCF-style: chr5-140848609-A-G. GRCh37 (hg19) VCF-style: chr5-140228194-A-G.
Other names: c.114A>G, p.Glu38= (NM_014005.5); c.2394+59925A>G (NM_018900.4); c.1602+60717A>G (NM_031411.3); c.2388+51257A>G (NM_018905.3); c.2394+45018A>G (NM_018906.3); c.2385+39037A>G (NM_018907.4); c.2352+24482A>G (NM_018908.3); c.2394+18124A>G (NM_018909.4); and 3 more.
Identifiers: ClinVar variation 3041347 (VCV003041347.2), dbSNP rs147906609, ClinGen allele CA3450133.
Genomic context (GRCh38, chr5:140,848,609, plus strand): 5'-TCTGATCCTCGCAATGTGGGTGGTGGGGAGCGGCCAGCTCCACTACTCCGTCCCGGAGGA[A>G]GCCGAACACGGCACCTTCGTGGGCCGCATCGCGCAGGACCTGGGGCTGGAGCTGGCGGAG-3'
Protein context (NP_114063.1, residues 28-48): SGQLHYSVPE[Glu38=]AEHGTFVGRI

ClinVar aggregate classification (germline): Likely benign (0 of 4 stars; one submission).

Conditions:
PCDHA9-related disorder. Also called: PCDHA9-related condition.

Allele frequency attached by ClinVar (database versions not stated): gnomAD exomes 0.00245; gnomAD 0.00632; 1000 Genomes Project 30x 0.01015.
gnomAD v4.1: 4,585 of 1,584,560 alleles (0.29%); highest among the groups gnomAD compares: Middle Eastern, 1%; 516 homozygotes.

Submission:

PreventionGenetics, part of Exact Sciences
Classification: Likely benign for PCDHA9-related condition. Last evaluated: 2020-09-25. Review status: no assertion criteria provided. Collection method: clinical testing. Allele origin: germline.
Comment: This variant is classified as likely benign based on ACMG/AMP sequence variant interpretation guidelines (Richards et al. 2015 PMID: 25741868, with internal and published modifications).